The following is an entry in ClinVar:

ClinVar aggregate classification (germline): Conflicting classifications of pathogenicity. Review status: criteria provided, conflicting classifications (1 of 4 stars). 5 submissions from 5 submitters: Uncertain significance (1); Likely benign (3). 1 of the submissions does not count toward it. Last evaluated 2024-12-04.

Conditions:
Inborn genetic diseases. Identifiers: MedGen C0950123, MeSH D030342.
FDXR-related disorder. Also called: FDXR-related condition; FDXR-related disorders.

Allele frequency attached by ClinVar (database versions not stated): ESP Exome Variant Server 0.00346; 1000 Genomes Project 30x 0.00390; ExAC 0.00105; gnomAD 0.00281 and 0.00299; TOPMed 0.00322; 1000 Genomes Project 0.00339.

Submissions (5):

Ambry Genetics
Classification: Likely benign for Inborn genetic diseases. Last evaluated: 2024-12-04. Review status: criteria provided, single submitter. Criteria: Ambry Variant Classification Scheme 2023. Collection method: clinical testing. Allele origin: germline.

Blueprint Genetics
Classification: Likely benign. Last evaluated: 2024-11-12. Review status: criteria provided, single submitter. Criteria: ACMG Guidelines, 2015. Collection method: clinical testing. Allele origin: germline.

CeGaT Center for Human Genetics Tuebingen
Classification: Likely benign. Last evaluated: 2023-01-01. Review status: criteria provided, single submitter. Criteria: CeGaT Center For Human Genetics Tuebingen Variant Classification Criteria Version 2. Collection method: clinical testing. Allele origin: germline. Affected: yes. Observed: 2 variant alleles.
Comment: FDXR: BP4, BS1

Breakthrough Genomics
Classification: Uncertain significance. Review status: criteria provided, single submitter. Criteria: ACMG Guidelines, 2015. Collection method: not provided. Allele origin: germline. Inheritance: Autosomal recessive inheritance. Affected: yes.

PreventionGenetics, part of Exact Sciences
Classification: Benign for FDXR-related condition. Last evaluated: 2021-03-31. Review status: no assertion criteria provided. Collection method: clinical testing. Allele origin: germline. Not counted in ClinVar's aggregate classification.
Comment: This variant is classified as benign based on ACMG/AMP sequence variant interpretation guidelines (Richards et al. 2015 PMID: 25741868, with internal and published modifications).

NM_024417.5(FDXR):c.1279G>T (p.Ala427Ser)

Gene: FDXR (ferredoxin reductase; minus strand). Cytogenetic location: 17q25.1.
Variant type: single nucleotide variant.
Coding change: c.1279G>T on transcript NM_024417.5 (MANE Select); coding-DNA position 1279, G replaced by T.
Protein change: p.Ala427Ser; replaces alanine 427 with serine.
Molecular consequence: missense variant. On other transcripts: non-coding transcript variant (1).
Genome position (GRCh38, 1-based): chr17:74,863,142, C>A on the plus strand (G>T on the coding strand, the complement: FDXR is on the minus strand). VCF-style: chr17-74863142-C-A. GRCh37 (hg19) VCF-style: chr17-72859264-C-A.
Other names: c.1279G>T (NM_024417.4); c.1408G>T, p.Ala470Ser (NM_001258012.4); c.1372G>T, p.Ala458Ser (NM_001258013.4); c.1255G>T, p.Ala419Ser (NM_001258014.4); c.1159G>T, p.Ala387Ser (NM_001258015.3); c.1123G>T, p.Ala375Ser (NM_001258016.3); c.1297G>T, p.Ala433Ser (NM_004110.6); c.1297G>T (NM_004110.3); short protein forms A427S, A433S, A387S, A458S, A375S, A419S, A470S.
Identifiers: ClinVar variation 872327 (VCV000872327.45), dbSNP rs113594178, ClinGen allele CA8752868.